The following is an entry in ClinVar:

NM_001376929.1(SLC30A10):c.438A>T (p.Gly146=)

Gene: SLC30A10 (solute carrier family 30 member 10; minus strand). Cytogenetic location: 1q41.
Variant type: single nucleotide variant.
Coding change: c.438A>T on transcript NM_001376929.1; coding-DNA position 438, A replaced by T.
Protein change: p.Gly146=; no amino-acid change (glycine 146 retained).
Molecular consequence: synonymous variant.
Genome position (GRCh38, 1-based): chr1:219,958,581, T>A on the plus strand (A>T on the coding strand, the complement: SLC30A10 is on the minus strand). VCF-style: chr1-219958581-T-A. GRCh37 (hg19) VCF-style: chr1-220131923-T-A.
Identifiers: ClinVar variation 2582870 (VCV002582870.23), dbSNP rs778656493, ClinGen allele CA37519381.

ClinVar aggregate classification (germline): Likely benign (1 of 4 stars; one submission).

Allele frequency attached by ClinVar (database versions not stated): gnomAD 0.00013; TOPMed 0.00002.

Submission:

CeGaT Center for Human Genetics Tuebingen
Classification: Likely benign. Last evaluated: 2024-05-01. Review status: criteria provided, single submitter. Criteria: CeGaT Center For Human Genetics Tuebingen Variant Classification Criteria Version 2. Collection method: clinical testing. Allele origin: germline. Affected: yes. Observed: 2 variant alleles.
Comment: SLC30A10: BP4, BP7